The following is an entry in ClinVar:

ClinVar aggregate classification (germline): Uncertain significance (1 of 4 stars; one submission).

Submission:

Women's Health and Genetics/Laboratory Corporation of America, LabCorp
Classification: Uncertain significance. Last evaluated: 2022-08-04. Review status: criteria provided, single submitter. Criteria: LabCorp Variant Classification Summary - May 2015. Collection method: clinical testing. Allele origin: germline.
Comment: Variant summary: The variant identified by MLPA or other technology involves the duplication of of the entire sequence (i.e. exons 1-8) of the FHL1 gene. A presumed nomenclature of c.(?_-330)_(*1406_?)dup has been designated for the purposes of this classification. It has been assumed that this is a tandem duplication in direct orientation (Richardson_GIM_2018, Newman_AJHG_2015). Since exact breakpoints of this duplication are not known, it might extend beyond the assayed region of the gene, including other flanking genes. The variant was absent in 16120 control chromosomes (gnomAD database, structural variants dataset). The available data on variant occurrences in the general population are insufficient to allow any conclusion about variant significance. To our knowledge, no occurrence of c.(?_-330)_(*1406_?)dup in individuals affected with Emery-Dreifuss Muscular Dystrophy and no experimental evidence demonstrating its impact on protein function have been reported. One clinical diagnostic laboratory has submitted clinical-significance assessments for a duplication variant covering the entire coding sequence (i.e. exons 3-8) of the FHL1 gene to ClinVar after 2014, and classified the variant as uncertain significance. Based on the evidence outlined above, the variant was classified as uncertain significance.

NC_000023.10:g.(?_135229558)_(135293519_?)dup

Gene: FHL1 (four and a half LIM domains 1; plus strand). Cytogenetic location: Xq26.3.
Variant type: Duplication.
Identifiers: ClinVar variation 1705033 (VCV001705033.1).